The following is an entry in ClinVar:

NM_024529.5(CDC73):c.1138C>T (p.Leu380Phe)

Gene: CDC73 (cell division cycle 73; plus strand). Cytogenetic location: 1q31.2.
Variant type: single nucleotide variant.
Coding change: c.1138C>T on transcript NM_024529.5 (MANE Select); coding-DNA position 1138, C replaced by T.
Protein change: p.Leu380Phe; replaces leucine 380 with phenylalanine.
Molecular consequence: missense variant.
Genome position (GRCh38, 1-based): chr1:193,212,461, C>T. VCF-style: chr1-193212461-C-T. GRCh37 (hg19) VCF-style: chr1-193181591-C-T.
Other names: short protein forms L380F.
Identifiers: ClinVar variation 2981225 (VCV002981225.3), dbSNP rs2527456824, ClinGen allele CA344077659.

ClinVar aggregate classification (germline): Uncertain significance (1 of 4 stars; one submission).

Conditions:
Parathyroid carcinoma (PRTC). Also called: Parathyroid gland carcinoma; CDC73-Related Parathyroid Carcinoma. Identifiers: Orphanet 143, MedGen C0687150, MONDO:0012004, OMIM 608266, HP:0006780.

Submission:

Labcorp Genetics (formerly Invitae), Labcorp
Classification: Uncertain significance for Parathyroid carcinoma. Last evaluated: 2023-07-22. Review status: criteria provided, single submitter. Criteria: Invitae Variant Classification Sherloc (09022015). Collection method: clinical testing. Allele origin: germline.
Comment: This sequence change replaces leucine, which is neutral and non-polar, with phenylalanine, which is neutral and non-polar, at codon 380 of the CDC73 protein (p.Leu380Phe). This variant is not present in population databases (gnomAD no frequency). This missense change has been observed in individual(s) with CDC73-related conditions (PMID: 33150274). Advanced modeling of protein sequence and biophysical properties (such as structural, functional, and spatial information, amino acid conservation, physicochemical variation, residue mobility, and thermodynamic stability) performed at Invitae indicates that this missense variant is not expected to disrupt CDC73 protein function. Experimental studies are conflicting or provide insufficient evidence to determine the effect of this variant on CDC73 function (PMID: 33150274). In summary, the available evidence is currently insufficient to determine the role of this variant in disease. Therefore, it has been classified as a Variant of Uncertain Significance.

Literature cited by the submitters: PubMed 33150274.